The following is an entry in ClinVar:

NM_001105206.3(LAMA4):c.1726C>G (p.Leu576Val)

Gene: LAMA4 (laminin subunit alpha 4; minus strand). Cytogenetic location: 6q21.
Variant type: single nucleotide variant.
Coding change: c.1726C>G on transcript NM_001105206.3 (MANE Select); coding-DNA position 1726, C replaced by G.
Protein change: p.Leu576Val; replaces leucine 576 with valine.
Molecular consequence: missense variant.
Genome position (GRCh38, 1-based): chr6:112,158,823, G>C on the plus strand (C>G on the coding strand, the complement: LAMA4 is on the minus strand). VCF-style: chr6-112158823-G-C. GRCh37 (hg19) VCF-style: chr6-112480025-G-C.
Other names: c.1705C>G, p.Leu569Val (NM_001105207.3, NM_002290.5); short protein forms L569V, L576V.
Identifiers: ClinVar variation 626731 (VCV000626731.6), dbSNP rs782074007, ClinGen allele CA3965693.

ClinVar aggregate classification (germline): Uncertain significance. Review status: criteria provided, multiple submitters, no conflicts (2 of 4 stars). 2 submissions from 2 submitters: Uncertain significance (2). Last evaluated 2023-06-27.

Conditions:
Cardiomyopathy (CMYO). Also called: Cardiomyopathies. Identifiers: Orphanet 167848, MedGen C0878544, MONDO:0004994, HP:0001638. Inheritance: Various modes of inheritance.
Dilated cardiomyopathy 1JJ (CMD1JJ). Identifiers: Orphanet 154, MedGen C3808935, MONDO:0014095, OMIM 615235.

Allele frequency attached by ClinVar (database versions not stated): ExAC 0.00001; gnomAD exomes 0.00001.
gnomAD v4.1: 11 of 1,612,912 alleles (0.00068%); highest among the groups gnomAD compares: Admixed American, 0.0033%; no homozygotes.

Submissions (2):

Labcorp Genetics (formerly Invitae), Labcorp
Classification: Uncertain significance for Dilated cardiomyopathy 1JJ. Last evaluated: 2023-06-27. Review status: criteria provided, single submitter. Criteria: Invitae Variant Classification Sherloc (09022015). Collection method: clinical testing. Allele origin: germline.
Comment: In summary, the available evidence is currently insufficient to determine the role of this variant in disease. Therefore, it has been classified as a Variant of Uncertain Significance. An algorithm developed to predict the effect of missense changes on protein structure and function (PolyPhen-2) suggests that this variant is likely to be tolerated. ClinVar contains an entry for this variant (Variation ID: 626731). This variant has not been reported in the literature in individuals affected with LAMA4-related conditions. This variant is present in population databases (rs782074007, gnomAD 0.006%). This sequence change replaces leucine, which is neutral and non-polar, with valine, which is neutral and non-polar, at codon 569 of the LAMA4 protein (p.Leu569Val).

CHEO Genetics Diagnostic Laboratory, Children's Hospital of Eastern Ontario
Classification: Uncertain significance for Cardiomyopathy. Last evaluated: 2017-06-12. Review status: criteria provided, single submitter. Criteria: ACMG Guidelines, 2015. Collection method: clinical testing. Allele origin: germline. Study: Canadian Open Genetics Repository.